The following is an entry in ClinVar:

ClinVar aggregate classification (germline): Likely pathogenic (1 of 4 stars; one submission).

Conditions:
Brain small vessel disease 6 with leukoencephalopathy. Identifiers: Orphanet 575553, MedGen CN380099, MONDO:0980711, OMIM 621394.
Combined deficiency of sialidase AND beta galactosidase (GSL). Also called: CATHEPSIN A DEFICIENCY; PPCA DEFICIENCY; PROTECTIVE PROTEIN/CATHEPSIN A DEFICIENCY; Galactosialidosis; GOLDBERG SYNDROME; NEURAMINIDASE DEFICIENCY WITH BETA-GALACTOSIDASE DEFICIENCY. Identifiers: Orphanet 351, MedGen C0268233, MONDO:0009737, OMIM 256540.

Submission:

Juno Genomics, Hangzhou Juno Genomics, Inc
Classification: Likely pathogenic for Brain small vessel disease 6 with leukoencephalopathy; Combined deficiency of sialidase AND beta galactosidase. Review status: criteria provided, single submitter. Criteria: ACMG Guidelines, 2015. Collection method: clinical testing. Allele origin: germline.
Comment: Null variant in a gene where loss of function (LOF) is a known mechanism of disease.;Absent from controls (or at extremely low frequency if recessive) in Genome Aggregation Database.

NM_000308.4(CTSA):c.192C>G (p.Tyr64Ter)

Gene: CTSA (cathepsin A; plus strand). Cytogenetic location: 20q13.12.
Variant type: single nucleotide variant.
Coding change: c.192C>G on transcript NM_000308.4 (MANE Select); coding-DNA position 192, C replaced by G.
Protein change: p.Tyr64Ter; replaces tyrosine 64 with a stop codon.
Molecular consequence: nonsense. On other transcripts: non-coding transcript variant (1).
Genome position (GRCh38, 1-based): chr20:45,891,760, C>G. VCF-style: chr20-45891760-C-G. GRCh37 (hg19) VCF-style: chr20-44520399-C-G.
Other names: c.192C>G, p.Tyr64Ter (NM_001127695.3, NM_001167594.3); short protein forms Y64*.
Identifiers: ClinVar variation 5006379 (VCV005006379.2).